The following is an entry in ClinVar:

ClinVar aggregate classification (germline): Uncertain significance. Review status: criteria provided, multiple submitters, no conflicts (2 of 4 stars). 2 submissions from 2 submitters: Uncertain significance (2). Last evaluated 2025-06-15.

Conditions:
Hereditary cancer-predisposing syndrome. Also called: Hereditary Cancer Syndrome; Hereditary neoplastic syndrome; Neoplastic Syndromes, Hereditary; Tumor predisposition. Identifiers: Orphanet 140162, MedGen C0027672, MeSH D009386, MONDO:0015356.

gnomAD v4.1: 3 of 1,609,132 alleles (0.00019%); highest among the groups gnomAD compares: East Asian, 0.0067%; no homozygotes.

Submissions (2):

Labcorp Genetics (formerly Invitae), Labcorp
Classification: Uncertain significance. Last evaluated: 2025-06-15. Review status: criteria provided, single submitter. Criteria: Invitae Variant Classification Sherloc (09022015). Collection method: clinical testing. Allele origin: germline.
Comment: This sequence change replaces valine, which is neutral and non-polar, with leucine, which is neutral and non-polar, at codon 2007 of the POLE protein (p.Val2007Leu). This variant is present in population databases (rs748106601, gnomAD 0.01%). This variant has not been reported in the literature in individuals affected with POLE-related conditions. ClinVar contains an entry for this variant (Variation ID: 405625). Invitae Evidence Modeling of protein sequence and biophysical properties (such as structural, functional, and spatial information, amino acid conservation, physicochemical variation, residue mobility, and thermodynamic stability) indicates that this missense variant is not expected to disrupt POLE protein function with a negative predictive value of 80%. In summary, the available evidence is currently insufficient to determine the role of this variant in disease. Therefore, it has been classified as a Variant of Uncertain Significance.

Ambry Genetics
Classification: Uncertain significance for Hereditary cancer-predisposing syndrome. Last evaluated: 2025-04-19. Review status: criteria provided, single submitter. Criteria: Ambry Variant Classification Scheme 2023. Collection method: clinical testing. Allele origin: germline.

NM_006231.4(POLE):c.6019G>C (p.Val2007Leu)

Gene: POLE (DNA polymerase epsilon, catalytic subunit; minus strand). Cytogenetic location: 12q24.33.
Variant type: single nucleotide variant.
Coding change: c.6019G>C on transcript NM_006231.4 (MANE Select); coding-DNA position 6019, G replaced by C.
Protein change: p.Val2007Leu; replaces valine 2007 with leucine.
Molecular consequence: missense variant.
Genome position (GRCh38, 1-based): chr12:132,632,781, C>G on the plus strand (G>C on the coding strand, the complement: POLE is on the minus strand). VCF-style: chr12-132632781-C-G. GRCh37 (hg19) VCF-style: chr12-133209367-C-G.
Other names: short protein forms V2007L.
Identifiers: ClinVar variation 405625 (VCV000405625.13), dbSNP rs748106601, ClinGen allele CA6892307.